The following is an entry in ClinVar:

NM_001130144.3(LTBP3):c.1209C>A (p.Ser403Arg)

Gene: LTBP3 (latent transforming growth factor beta binding protein 3; minus strand). Cytogenetic location: 11q13.1.
Variant type: single nucleotide variant.
Coding change: c.1209C>A on transcript NM_001130144.3 (MANE Select); coding-DNA position 1209, C replaced by A.
Protein change: p.Ser403Arg; replaces serine 403 with arginine.
Molecular consequence: missense variant.
Genome position (GRCh38, 1-based): chr11:65,552,384, G>T on the plus strand (C>A on the coding strand, the complement: LTBP3 is on the minus strand). VCF-style: chr11-65552384-G-T. GRCh37 (hg19) VCF-style: chr11-65319855-G-T.
Other names: c.858C>A, p.Ser286Arg (NM_001164266.1); c.1209C>A, p.Ser403Arg (NM_021070.4); short protein forms S286R, S403R.
Identifiers: ClinVar variation 4825733 (VCV004825733.1).
Genomic context (GRCh38, chr11:65,552,384, plus strand): 5'-CAGGCGGGTGGTCAGTGGGTGCTGGCACTGGTGCTCAGGGCTCACCAGGCGGAAACACAG[G>T]CTCTTCTCCTCCGGTTTGTCTGCTGCAGGGGCCAGTGGGGGGCATGGGCATCTGAGCCTG-3'
Protein context (NP_001123616.1, residues 393-413): QCIADKPEEK[Ser403Arg]LCFRLVSPEH

ClinVar aggregate classification (germline): Uncertain significance (1 of 4 stars; one submission).

Conditions:
Inborn genetic diseases. Identifiers: MedGen C0950123, MeSH D030342.

Submission:

Ambry Genetics
Classification: Uncertain significance for Inborn genetic diseases. Last evaluated: 2026-02-22. Review status: criteria provided, single submitter. Criteria: Ambry Variant Classification Scheme 2023. Collection method: clinical testing. Allele origin: germline.
Comment: The p.S403R variant (also known as c.1209C>A), located in coding exon 7 of the LTBP3 gene, results from a C to A substitution at nucleotide position 1209. The serine at codon 403 is replaced by arginine, an amino acid with dissimilar properties. This amino acid position is conserved. In addition, the in silico prediction for this alteration is inconclusive. Based on the available evidence, the clinical significance of this variant remains unclear.